The following is an entry in ClinVar:

ClinVar aggregate classification (germline): Uncertain significance (1 of 4 stars; one submission).

Conditions:
Cardiovascular phenotype. Identifiers: MedGen CN230736.

Submission:

Ambry Genetics
Classification: Uncertain significance for Cardiovascular phenotype. Last evaluated: 2024-10-08. Review status: criteria provided, single submitter. Criteria: Ambry Variant Classification Scheme 2023. Collection method: clinical testing. Allele origin: germline.
Comment: The p.R1947S variant (also known as c.5839C>A), located in coding exon 24 of the AKAP9 gene, results from a C to A substitution at nucleotide position 5839. The arginine at codon 1947 is replaced by serine, an amino acid with dissimilar properties. This amino acid position is conserved. In addition, this alteration is predicted to be tolerated by in silico analysis. Based on the available evidence, the clinical significance of this variant remains unclear.

NM_005751.5(AKAP9):c.5839C>A (p.Arg1947Ser)

Gene: AKAP9 (A-kinase anchoring protein 9; plus strand). Cytogenetic location: 7q21.2.
Variant type: single nucleotide variant.
Coding change: c.5839C>A on transcript NM_005751.5 (MANE Select); coding-DNA position 5839, C replaced by A.
Protein change: p.Arg1947Ser; replaces arginine 1947 with serine.
Molecular consequence: missense variant.
Genome position (GRCh38, 1-based): chr7:92,062,348, C>A. VCF-style: chr7-92062348-C-A. GRCh37 (hg19) VCF-style: chr7-91691662-C-A.
Other names: c.484C>A, p.Arg162Ser (NM_001379277.1); c.5839C>A, p.Arg1947Ser (NM_147185.3); short protein forms R162S, R1947S.
Identifiers: ClinVar variation 3516711 (VCV003516711.1).
Genomic context (GRCh38, chr7:92,062,348, plus strand): 5'-TATGCAGATGAAAAAACTCTTTTTGAAAGGCAAATTCAGGAAAAAACTGATATAATAGAT[C>A]GTCTTGAGCAGGAGTTGTTATGTGCAAGTAACAGGTTGCAAGAATTGGAGGCAGAGCAAC-3'
Protein context (NP_005742.4, residues 1937-1957): QIQEKTDIID[Arg1947Ser]LEQELLCASN